The following is an entry in ClinVar:

ClinVar aggregate classification (germline): Benign. Review status: criteria provided, multiple submitters, no conflicts (2 of 4 stars). 6 submissions from 4 submitters: Benign (6). Last evaluated 2023-11-12.

Conditions:
SHORT syndrome. Also called: SHORT STATURE, HYPEREXTENSIBILITY, HERNIA, OCULAR DEPRESSION, RIEGER ANOMALY, AND TEETHING DELAY; LIPODYSTROPHY, PARTIAL, WITH RIEGER ANOMALY AND SHORT STATURE; PIK3R1-Related SHORT Syndrome. Identifiers: Orphanet 3163, MedGen C0878684, MONDO:0010026, OMIM 269880.
Agammaglobulinemia 7, autosomal recessive (AGM7). Also called: AGAMMAGLOBULINEMIA, AUTOSOMAL RECESSIVE, DUE TO PIK3R1 DEFECT. Identifiers: MedGen C3554689, MONDO:0014083, OMIM 615214.
Immunodeficiency 36 with lymphoproliferation. Also called: Immunodeficiency 36; ACTIVATED PI3K-DELTA SYNDROME 2; Activated PI3K Delta Syndrome Type 2 (APDS2). Identifiers: Orphanet 397596, Orphanet 693681, MedGen C4014934, MONDO:0014453, OMIM 616005.

Allele frequency attached by ClinVar (database versions not stated): ESP Exome Variant Server 0.26949; TOPMed 0.28012; 1000 Genomes Project 30x 0.28123; gnomAD 0.28654 and 0.29312; 1000 Genomes Project 0.28734; ExAC 0.36220; gnomAD exomes 0.36265 and 0.37027.
gnomAD v4.1: 578,662 of 1,597,208 alleles (36%); highest among the groups gnomAD compares: Admixed American, 38%; 109,233 homozygotes.

Submissions (6):

Unidad de Genómica Garrahan, Hospital de Pediatría Garrahan
Classification: Benign. Last evaluated: 2023-11-12. Review status: criteria provided, single submitter. Criteria: ACMG Guidelines, 2015. Collection method: clinical testing. Allele origin: germline. Affected: no. Observed: 59 variant alleles.
Comment: This variant is classified as Benign based on local population frequency. This variant was detected in 61% of patients studied by a panel of primary immunodeficiencies. Number of patients: 59. Only high quality variants are reported.

Genome-Nilou Lab
Classification: Benign for Agammaglobulinemia 7, autosomal recessive. Last evaluated: 2021-09-05. Review status: criteria provided, single submitter. Criteria: ACMG Guidelines, 2015. Collection method: clinical testing. Allele origin: germline. Affected: no.

Genome-Nilou Lab
Classification: Benign for Immunodeficiency 36 with lymphoproliferation. Last evaluated: 2021-09-05. Review status: criteria provided, single submitter. Criteria: ACMG Guidelines, 2015. Collection method: clinical testing. Allele origin: germline. Affected: no.

Genome-Nilou Lab
Classification: Benign for SHORT syndrome. Last evaluated: 2021-09-05. Review status: criteria provided, single submitter. Criteria: ACMG Guidelines, 2015. Collection method: clinical testing. Allele origin: germline. Affected: no.

GeneDx
Classification: Benign. Last evaluated: 2018-07-31. Review status: criteria provided, single submitter. Criteria: GeneDx Variant Classification Process June 2021. Collection method: clinical testing. Allele origin: germline. Affected: yes.

Breakthrough Genomics
Classification: Benign. Review status: criteria provided, single submitter. Criteria: ACMG Guidelines, 2015. Collection method: not provided. Allele origin: germline. Inheritance: Autosomal recessive inheritance. Affected: yes.

NM_181523.3(PIK3R1):c.428-21G>A

Gene: PIK3R1 (phosphoinositide-3-kinase regulatory subunit 1; plus strand). Cytogenetic location: 5q13.1.
Variant type: single nucleotide variant.
Coding change: c.428-21G>A on transcript NM_181523.3 (MANE Select); 21 bases into the intron before coding-DNA position 428, G replaced by A.
Molecular consequence: intron variant.
Genome position (GRCh38, 1-based): chr5:68,273,918, G>A. VCF-style: chr5-68273918-G-A. GRCh37 (hg19) VCF-style: chr5-67569746-G-A.
Identifiers: ClinVar variation 1271646 (VCV001271646.6), dbSNP rs171649, ClinGen allele CA3290022.